The following is an entry in ClinVar:

ClinVar aggregate classification (germline): Likely pathogenic (1 of 4 stars; one submission).

Conditions:
ZFPM2-related disorder. Also called: ZFPM2-related condition.

gnomAD v4.1: 1 of 1,613,922 alleles (0.000062%); highest among the groups gnomAD compares: Non-Finnish European, 0.000085%; no homozygotes.

Submission:

PreventionGenetics, part of Exact Sciences
Classification: Likely pathogenic for ZFPM2-related condition. Last evaluated: 2025-08-14. Review status: criteria provided, single submitter. Criteria: ACMG Guidelines, 2015. Collection method: clinical testing. Allele origin: germline.
Comment: The ZFPM2 c.1090C>T variant is predicted to result in premature protein termination (p.Arg364*). This variant falls within the terminal exon of the ZFPM2 gene. To our knowledge, this variant has not been reported in the literature or in a large population database (gnomAD), indicating this variant is rare. Truncating variants downstream of amino acid 364 have been reported in patients with congenital diaphragmatic hernia and incomplete penetrance was noted in one family (Longoni et al. 2015. PubMed ID: 24702427). Nonsense variants in ZFPM2 are expected to be pathogenic. This variant is interpreted as likely pathogenic.

NM_012082.4(ZFPM2):c.1090C>T (p.Arg364Ter)

Genes: ZFPM2 (zinc finger protein, FOG family member 2; plus strand), ZFPM2-AS1 (ZFPM2 antisense RNA 1; minus strand). Cytogenetic location: 8q23.1.
Variant type: single nucleotide variant.
Coding change: c.1090C>T on transcript NM_012082.4 (MANE Select); coding-DNA position 1090, C replaced by T.
Protein change: p.Arg364Ter; replaces arginine 364 with a stop codon.
Molecular consequence: nonsense.
Genome position (GRCh38, 1-based): chr8:105,801,172, C>T. VCF-style: chr8-105801172-C-T. GRCh37 (hg19) VCF-style: chr8-106813400-C-T.
Other names: c.931C>T, p.Arg311Ter (NM_001362836.2); c.694C>T, p.Arg232Ter (NM_001362837.2); short protein forms R232*, R311*, R364*.
Identifiers: ClinVar variation 4992917 (VCV004992917.1).